The following is an entry in ClinVar:

NM_001114753.3(ENG):c.763G>C (p.Gly255Arg)

Gene: ENG (endoglin; minus strand). Cytogenetic location: 9q34.11.
Variant type: single nucleotide variant.
Coding change: c.763G>C on transcript NM_001114753.3 (MANE Select); coding-DNA position 763, G replaced by C.
Protein change: p.Gly255Arg; replaces glycine 255 with arginine.
Molecular consequence: missense variant.
Genome position (GRCh38, 1-based): chr9:127,825,284, C>G on the plus strand (G>C on the coding strand, the complement: ENG is on the minus strand). VCF-style: chr9-127825284-C-G. GRCh37 (hg19) VCF-style: chr9-130587563-C-G.
Other names: c.763G>C, p.Gly255Arg (NM_000118.4, NM_001406715.1); c.217G>C, p.Gly73Arg (NM_001278138.2); short protein forms G73R, G255R.
Identifiers: ClinVar variation 3655497 (VCV003655497.2).

ClinVar aggregate classification (germline): Likely pathogenic (1 of 4 stars; one submission).

Conditions:
Hereditary hemorrhagic telangiectasia (HHT). Also called: ORW DISEASE; Osler Weber Rendu syndrome; OSLER-RENDU-WEBER DISEASE; Osler hemorrhagic telangiectasia syndrome. Identifiers: Orphanet 774, MedGen C0039445, MONDO:0019180. Disease mechanism: loss of function.

Submission:

Labcorp Genetics (formerly Invitae), Labcorp
Classification: Likely pathogenic for Hereditary hemorrhagic telangiectasia. Last evaluated: 2024-06-04. Review status: criteria provided, single submitter. Criteria: Invitae Variant Classification Sherloc (09022015). Collection method: clinical testing. Allele origin: germline.
Comment: This sequence change replaces glycine, which is neutral and non-polar, with arginine, which is basic and polar, at codon 255 of the ENG protein (p.Gly255Arg). This variant is not present in population databases (gnomAD no frequency). This missense change has been observed in individual(s) with clinical features of hereditary hemorrhagic telangiectasia (Invitae). Advanced modeling of protein sequence and biophysical properties (such as structural, functional, and spatial information, amino acid conservation, physicochemical variation, residue mobility, and thermodynamic stability) performed at Invitae indicates that this missense variant is expected to disrupt ENG protein function with a positive predictive value of 95%. This variant disrupts the p.Gly255 amino acid residue in ENG. Other variant(s) that disrupt this residue have been determined to be pathogenic (Invitae). This suggests that this residue is clinically significant, and that variants that disrupt this residue are likely to be disease-causing. In summary, the currently available evidence indicates that the variant is pathogenic, but additional data are needed to prove that conclusively. Therefore, this variant has been classified as Likely Pathogenic.